The following is an entry in ClinVar:

NM_033305.3(VPS13A):c.6820A>G (p.Ile2274Val)

Gene: VPS13A (vacuolar protein sorting 13 homolog A; plus strand). Cytogenetic location: 9q21.2.
Variant type: single nucleotide variant.
Coding change: c.6820A>G on transcript NM_033305.3 (MANE Select); coding-DNA position 6820, A replaced by G.
Protein change: p.Ile2274Val; replaces isoleucine 2274 with valine.
Molecular consequence: missense variant.
Genome position (GRCh38, 1-based): chr9:77,340,223, A>G. VCF-style: chr9-77340223-A-G. GRCh37 (hg19) VCF-style: chr9-79955139-A-G.
Other names: c.6703A>G, p.Ile2235Val (NM_001018037.2); c.6820A>G, p.Ile2274Val (NM_001018038.3, NM_015186.4); short protein forms I2235V, I2274V.
Identifiers: ClinVar variation 3617563 (VCV003617563.1).

ClinVar aggregate classification (germline): Uncertain significance (1 of 4 stars; one submission).

gnomAD v4.1: 30 of 1,613,328 alleles (0.0019%); highest among the groups gnomAD compares: East Asian, 0.0045%; no homozygotes.

Submission:

Labcorp Genetics (formerly Invitae), Labcorp
Classification: Uncertain significance. Last evaluated: 2024-07-02. Review status: criteria provided, single submitter. Criteria: Invitae Variant Classification Sherloc (09022015). Collection method: clinical testing. Allele origin: germline.
Comment: This sequence change replaces isoleucine, which is neutral and non-polar, with valine, which is neutral and non-polar, at codon 2274 of the VPS13A protein (p.Ile2274Val). This variant is present in population databases (rs147601888, gnomAD 0.005%). This variant has not been reported in the literature in individuals affected with VPS13A-related conditions. Advanced modeling of protein sequence and biophysical properties (such as structural, functional, and spatial information, amino acid conservation, physicochemical variation, residue mobility, and thermodynamic stability) performed at Invitae indicates that this missense variant is expected to disrupt VPS13A protein function with a positive predictive value of 80%. In summary, the available evidence is currently insufficient to determine the role of this variant in disease. Therefore, it has been classified as a Variant of Uncertain Significance.